The following is an entry in ClinVar:

NM_006885.4(ZFHX3):c.2922C>T (p.Asp974=)

Gene: ZFHX3 (zinc finger homeobox 3; minus strand). Cytogenetic location: 16q22.3.
Variant type: single nucleotide variant.
Coding change: c.2922C>T on transcript NM_006885.4 (MANE Select); coding-DNA position 2922, C replaced by T.
Protein change: p.Asp974=; no amino-acid change (aspartic acid 974 retained).
Molecular consequence: synonymous variant.
Genome position (GRCh38, 1-based): chr16:72,950,763, G>A on the plus strand (C>T on the coding strand, the complement: ZFHX3 is on the minus strand). VCF-style: chr16-72950763-G-A. GRCh37 (hg19) VCF-style: chr16-72984662-G-A.
Other names: c.180C>T, p.Asp60= (NM_001164766.2); c.2922C>T, p.Asp974= (NM_001386735.1).
Identifiers: ClinVar variation 4534308 (VCV004534308.6).

ClinVar aggregate classification (germline): Likely benign (1 of 4 stars; one submission).

gnomAD v4.1: 62 of 1,614,164 alleles (0.0038%); highest among the groups gnomAD compares: South Asian, 0.045%; no homozygotes.

Submission:

CeGaT Center for Human Genetics Tuebingen
Classification: Likely benign. Last evaluated: 2025-10-01. Review status: criteria provided, single submitter. Criteria: CeGaT Center For Human Genetics Tuebingen Variant Classification Criteria Version 2. Collection method: clinical testing. Allele origin: germline. Affected: yes. Observed: 1 variant allele.
Comment: ZFHX3: BP4, BP7